The following is an entry in ClinVar:

ClinVar aggregate classification (germline): Uncertain significance (1 of 4 stars; one submission).

Submission:

GeneDx
Classification: Uncertain significance. Last evaluated: 2026-03-16. Review status: criteria provided, single submitter. Criteria: GeneDx Variant Classification Process June 2021. Collection method: clinical testing. Allele origin: germline.
Comment: Not observed at significant frequency in large population cohorts (gnomAD); In silico analysis supports that this missense variant has a deleterious effect on protein structure/function; Has not been previously published as pathogenic or benign to our knowledge

NM_012398.3(PIP5K1C):c.1408G>A (p.Gly470Arg)

Gene: PIP5K1C (phosphatidylinositol-4-phosphate 5-kinase type 1 gamma; minus strand). Cytogenetic location: 19p13.3.
Variant type: single nucleotide variant.
Coding change: c.1408G>A on transcript NM_012398.3 (MANE Select); coding-DNA position 1408, G replaced by A.
Protein change: p.Gly470Arg; replaces glycine 470 with arginine.
Molecular consequence: missense variant.
Genome position (GRCh38, 1-based): chr19:3,644,189, C>T on the plus strand (G>A on the coding strand, the complement: PIP5K1C is on the minus strand). VCF-style: chr19-3644189-C-T. GRCh37 (hg19) VCF-style: chr19-3644187-C-T.
Other names: c.1408G>A, p.Gly470Arg (NM_001195733.2, NM_001300849.2); short protein forms G470R.
Identifiers: ClinVar variation 5009272 (VCV005009272.1).